The following is an entry in ClinVar:

NM_033305.3(VPS13A):c.1616C>G (p.Ser539Ter)

Gene: VPS13A (vacuolar protein sorting 13 homolog A; plus strand). Cytogenetic location: 9q21.2.
Variant type: single nucleotide variant.
Coding change: c.1616C>G on transcript NM_033305.3 (MANE Select); coding-DNA position 1616, C replaced by G.
Protein change: p.Ser539Ter; replaces serine 539 with a stop codon.
Molecular consequence: nonsense.
Genome position (GRCh38, 1-based): chr9:77,238,022, C>G. VCF-style: chr9-77238022-C-G. GRCh37 (hg19) VCF-style: chr9-79852938-C-G.
Other names: c.1616C>G, p.Ser539Ter (NM_001018037.2, NM_001018038.3, NM_015186.4); short protein forms S539*.
Identifiers: ClinVar variation 2136781 (VCV002136781.9), dbSNP rs758612012, ClinGen allele CA5091747.

ClinVar aggregate classification (germline): Pathogenic/Likely pathogenic. Review status: criteria provided, multiple submitters, no conflicts (2 of 4 stars). 4 submissions from 4 submitters: Pathogenic (3); Likely pathogenic (1). Last evaluated 2025-01-06.

Conditions:
VPS13A-related neurodegenerative disease. Also called: VPS13A Disease; LEVINE-CRITCHLEY SYNDROME; Choreoacanthocytosis; Chorea-acanthocytosis; Choreaacanthocytosis; ACANTHOCYTOSIS WITH NEUROLOGIC DISORDER. Identifiers: Orphanet 2388, MedGen C0393576, MONDO:0008695, OMIM 200150.

Allele frequency attached by ClinVar (database versions not stated): ExAC 0.00001; gnomAD exomes below 0.00001.
gnomAD v4.1: 2 of 1,609,072 alleles (0.00012%); highest among the groups gnomAD compares: Admixed American, 0.0017%; no homozygotes.

Submissions (4):

Labcorp Genetics (formerly Invitae), Labcorp
Classification: Pathogenic. Last evaluated: 2025-01-06. Review status: criteria provided, single submitter. Criteria: Invitae Variant Classification Sherloc (09022015). Collection method: clinical testing. Allele origin: germline.
Comment: This sequence change creates a premature translational stop signal (p.Ser539*) in the VPS13A gene. It is expected to result in an absent or disrupted protein product. Loss-of-function variants in VPS13A are known to be pathogenic (PMID: 12404112, 21598378). This variant is present in population databases (rs758612012, gnomAD 0.003%). This premature translational stop signal has been observed in individual(s) with choreoacanthocytosis (PMID: 12404112). ClinVar contains an entry for this variant (Variation ID: 2136781). For these reasons, this variant has been classified as Pathogenic.

Myriad Genetics, Inc.
Classification: Pathogenic for VPS13A-related neurodegenerative disease. Last evaluated: 2024-05-14. Review status: criteria provided, single submitter. Criteria: Myriad Autosomal Dominant, Autosomal Recessive and X-Linked Classification Criteria (2023). Collection method: clinical testing. Allele origin: unknown.
Comment: NM_033305.2(VPS13A):c.1616C>G(S539*) is expected to be pathogenic in the context of VPS13A disease. This variant is predicted to lead to an abnormal or absent protein product due to the creation of a premature termination codon in VPS13A, a gene where loss-of-function variants are known to be pathogenic. Please note: this variant was assessed in the context of healthy population screening.

Fulgent Genetics
Classification: Pathogenic for VPS13A-related neurodegenerative disease. Last evaluated: 2024-01-23. Review status: criteria provided, single submitter. Criteria: ACMG Guidelines, 2015. Collection method: clinical testing. Allele origin: germline.

Revvity Omics, Revvity
Classification: Likely pathogenic for VPS13A-related neurodegenerative disease. Last evaluated: 2023-02-15. Review status: criteria provided, single submitter. Criteria: ACMG Guidelines, 2015. Collection method: clinical testing. Allele origin: germline.

Literature cited by the submitters: PubMed 12404112 (cited by Labcorp Genetics (formerly Invitae), Labcorp); PubMed 21598378 (cited by Labcorp Genetics (formerly Invitae), Labcorp).